The following is an entry in ClinVar:

ClinVar aggregate classification (germline): Likely pathogenic (1 of 4 stars; one submission).

Conditions:
Cardiovascular phenotype. Identifiers: MedGen CN230736.

Submission:

Ambry Genetics
Classification: Likely pathogenic for Cardiovascular phenotype. Last evaluated: 2026-05-22. Review status: criteria provided, single submitter. Criteria: Ambry Variant Classification Scheme 2023. Collection method: clinical testing. Allele origin: germline.
Comment: The c.14799delA variant, located in coding exon 55 of the TTN gene, results from a deletion of one nucleotide at nucleotide position 14799, causing a translational frameshift with a predicted alternate stop codon (p.K4933Nfs*2). This exon is located in the I-band region of the N2-B isoform of the titin protein and is constitutively expressed in TTN transcripts (percent spliced in or PSI 100%). This variant is expected to result in loss of function by premature protein truncation or nonsense-mediated mRNA decay. While truncating variants in TTN are present in 1-3% of the general population, truncating variants in the A-band are the most common cause of dilated cardiomyopathy (Herman DS et al. N. Engl. J. Med., 2012 Feb;366:619-28; Roberts AM et al. Sci Transl Med, 2015 Jan;7:270ra6). TTN truncating variants encoded in constitutive exons (PSI >90%) have been found to be significantly associated with DCM regardless of their position in titin (Schafer S et al. Nat. Genet., 2017 01;49:46-53; Akhtar MM et al. Circ Heart Fail, 2020 Oct;13:e006832; Massier M et al. Clin Genet, 2025 Jan). This variant is considered to be rare based on population cohorts in the Genome Aggregation Database (gnomAD). Based on the majority of available evidence to date, this variant is likely to be pathogenic.

NM_001267550.2(TTN):c.41994del (p.Lys13998fs)

Gene: TTN (titin; minus strand). Cytogenetic location: 2q31.2.
Variant type: Deletion.
Coding change: c.41994del on transcript NM_001267550.2 (MANE Select); coding-DNA position 41994, one base deleted (A; older notation c.41994delA).
Protein change: p.Lys13998fs; shifts the reading frame from lysine 13998.
Molecular consequence: frameshift variant.
Genome position (GRCh38, 1-based): chr2:178,635,195, T deleted on the plus strand (A on the coding strand, the reverse complement: TTN is on the minus strand); the first of 3 consecutive T bases (chr2:178,635,195-178,635,197); deleting any one gives the same sequence. VCF-style (leftmost placement, unchanged base first): chr2-178635194-GT-G. GRCh37 (hg19) VCF-style: chr2-179499921-GT-G.
Other names: c.37071del, p.Lys12357fs (NM_001256850.1); c.14799del, p.Lys4933fs (NM_003319.4); c.34290del, p.Lys11430fs (NM_133378.4); c.15174del, p.Lys5058fs (NM_133432.3); c.15375del, p.Lys5125fs (NM_133437.4); c.14799delA (NM_003319.4); short protein forms K11430fs, K12357fs, K13998fs, K4933fs, K5058fs, K5125fs.
Identifiers: ClinVar variation 4866231 (VCV004866231.1).